The following is an entry in ClinVar:

ClinVar aggregate classification (germline): Uncertain significance (1 of 4 stars; one submission).

Submission:

Ambry Genetics
Classification: Uncertain significance. Last evaluated: 2022-02-24. Review status: criteria provided, single submitter. Criteria: Ambry Variant Classification Scheme 2023. Collection method: clinical testing. Allele origin: germline.
Comment: The p.L1015W variant (also known as c.3044T>G), located in coding exon 27 of the KIF1B gene, results from a T to G substitution at nucleotide position 3044. The leucine at codon 1015 is replaced by tryptophan, an amino acid with similar properties. This amino acid position is conserved. In addition, this alteration is predicted to be deleterious by in silico analysis. Since supporting evidence is limited at this time, the clinical significance of this alteration remains unclear.

NM_001365951.3(KIF1B):c.3182T>G (p.Leu1061Trp)

Gene: KIF1B (kinesin family member 1B; plus strand). Cytogenetic location: 1p36.22.
Variant type: single nucleotide variant.
Coding change: c.3182T>G on transcript NM_001365951.3 (MANE Select); coding-DNA position 3182, T replaced by G.
Protein change: p.Leu1061Trp; replaces leucine 1061 with tryptophan.
Molecular consequence: missense variant.
Genome position (GRCh38, 1-based): chr1:10,337,126, T>G. VCF-style: chr1-10337126-T-G. GRCh37 (hg19) VCF-style: chr1-10397184-T-G.
Other names: c.3182T>G, p.Leu1061Trp (NM_001365952.1); c.3044T>G, p.Leu1015Trp (NM_015074.3); short protein forms L1015W, L1061W.
Identifiers: ClinVar variation 1799189 (VCV001799189.2), dbSNP rs2521719150, ClinGen allele CA338339733.